The following is an entry in ClinVar:

ClinVar aggregate classification (germline): Benign (1 of 4 stars; one submission).

Conditions:
Lymphoproliferative syndrome 1 (LPFS1). Identifiers: Orphanet 238505, Orphanet 538963, MedGen C3552634, MONDO:0013081, OMIM 613011.

Allele frequency attached by ClinVar (database versions not stated): gnomAD exomes 0.11743; 1000 Genomes Project 0.13878; 1000 Genomes Project 30x 0.14272; gnomAD 0.14329 and 0.14616; TOPMed 0.15567.
gnomAD v4.1: 30,201 of 222,378 alleles (14%); highest among the groups gnomAD compares: African/African-American, 19%; 2,258 homozygotes.

Submission:

Illumina Laboratory Services, Illumina
Classification: Benign for Lymphoproliferative syndrome 1. Last evaluated: 2018-01-12. Review status: criteria provided, single submitter. Criteria: ICSL Variant Classification Criteria 13 December 2019. Collection method: clinical testing. Allele origin: germline.
Comment: This variant was observed in the ICSL laboratory as part of a predisposition screen in an ostensibly healthy population. It had not been previously curated by ICSL or reported in the Human Gene Mutation Database (HGMD: prior to June 1st, 2018), and was therefore a candidate for classification through an automated scoring system. Utilizing variant allele frequency, disease prevalence and penetrance estimates, and inheritance mode, an automated score was calculated to assess if this variant is too frequent to cause the disease. Based on the score and internal cut-off values, a variant classified as benign is not then subjected to further curation. The score for this variant resulted in a classification of benign for this disease.

NM_005546.4(ITK):c.*1188A>G

Gene: ITK (IL2 inducible T cell kinase; plus strand). Cytogenetic location: 5q33.3.
Variant type: single nucleotide variant.
Coding change: c.*1188A>G on transcript NM_005546.4 (MANE Select); 1188 bases downstream of the stop codon, A replaced by G.
Molecular consequence: 3 prime UTR variant.
Genome position (GRCh38, 1-based): chr5:157,253,866, A>G. VCF-style: chr5-157253866-A-G. GRCh37 (hg19) VCF-style: chr5-156680876-A-G.
Identifiers: ClinVar variation 352491 (VCV000352491.5), dbSNP rs17054397, ClinGen allele CA10619856.